The following is an entry in ClinVar:

NM_199355.4(ADAMTS18):c.1972T>C (p.Tyr658His)

Gene: ADAMTS18 (ADAM metallopeptidase with thrombospondin type 1 motif 18; minus strand). Cytogenetic location: 16q23.1.
Variant type: single nucleotide variant.
Coding change: c.1972T>C on transcript NM_199355.4 (MANE Select); coding-DNA position 1972, T replaced by C.
Protein change: p.Tyr658His; replaces tyrosine 658 with histidine.
Molecular consequence: missense variant.
Genome position (GRCh38, 1-based): chr16:77,325,926, A>G on the plus strand (T>C on the coding strand, the complement: ADAMTS18 is on the minus strand). VCF-style: chr16-77325926-A-G. GRCh37 (hg19) VCF-style: chr16-77359823-A-G.
Other names: c.1456T>C, p.Tyr486His (NM_001326358.2); c.1972T>C (NM_199355.2); short protein forms Y658H, Y486H.
Identifiers: ClinVar variation 1378204 (VCV001378204.7), dbSNP rs2056087156, ClinGen allele CA396829112.

ClinVar aggregate classification (germline): Uncertain significance. Review status: criteria provided, multiple submitters, no conflicts (2 of 4 stars). 2 submissions from 2 submitters: Uncertain significance (2). Last evaluated 2025-07-15.

Conditions:
Inborn genetic diseases. Identifiers: MedGen C0950123, MeSH D030342.

Allele frequency attached by ClinVar (database versions not stated): gnomAD exomes below 0.00001; gnomAD 0.00001.
gnomAD v4.1: 3 of 1,614,000 alleles (0.00019%); highest among the groups gnomAD compares: Admixed American, 0.0017%; no homozygotes.

Submissions (2):

Ambry Genetics
Classification: Uncertain significance for Inborn genetic diseases. Last evaluated: 2025-07-15. Review status: criteria provided, single submitter. Criteria: Ambry Variant Classification Scheme 2023. Collection method: clinical testing. Allele origin: germline.

Labcorp Genetics (formerly Invitae), Labcorp
Classification: Uncertain significance. Last evaluated: 2024-12-02. Review status: criteria provided, single submitter. Criteria: Invitae Variant Classification Sherloc (09022015). Collection method: clinical testing. Allele origin: germline.
Comment: This sequence change replaces tyrosine with histidine at codon 658 of the ADAMTS18 protein (p.Tyr658His). The tyrosine residue is highly conserved and there is a moderate physicochemical difference between tyrosine and histidine. This variant is not present in population databases (gnomAD no frequency). This variant has not been reported in the literature in individuals affected with ADAMTS18-related conditions. ClinVar contains an entry for this variant (Variation ID: 1378204). An algorithm developed to predict the effect of missense changes on protein structure and function (PolyPhen-2) suggests that this variant is likely to be tolerated. In summary, the available evidence is currently insufficient to determine the role of this variant in disease. Therefore, it has been classified as a Variant of Uncertain Significance.